The following is an entry in ClinVar:

NM_001848.3(COL6A1):c.211G>A (p.Asp71Asn)

Gene: COL6A1 (collagen type VI alpha 1 chain; plus strand). Cytogenetic location: 21q22.3.
Variant type: single nucleotide variant.
Coding change: c.211G>A on transcript NM_001848.3 (MANE Select); coding-DNA position 211, G replaced by A.
Protein change: p.Asp71Asn; replaces aspartic acid 71 with asparagine.
Molecular consequence: missense variant.
Genome position (GRCh38, 1-based): chr21:45,982,747, G>A. VCF-style: chr21-45982747-G-A. GRCh37 (hg19) VCF-style: chr21-47402661-G-A.
Other names: short protein forms D71N.
Identifiers: ClinVar variation 2584954 (VCV002584954.1), dbSNP rs2526307623, ClinGen allele CA410514787.
Genomic context (GRCh38, chr21:45,982,747, plus strand): 5'-AGGCTGAAGCCCTACGGGGCCCTCGTGGACAAAGTCAAGTCCTTCACCAAGCGCTTCATC[G>A]ACAACCTGAGGGACAGGTAGGAGGGACGCCCCGTGACCTTCCTCCTGTGCTTCTGGGCCT-3'
Protein context (NP_001839.2, residues 61-81): KVKSFTKRFI[Asp71Asn]NLRDRYYRCD

ClinVar aggregate classification (germline): Uncertain significance (1 of 4 stars; one submission).

Conditions:
Bethlem myopathy 1A. Also called: MYOPATHY, BENIGN CONGENITAL, WITH CONTRACTURES; Bethlem Muscular Dystrophy; Bethlem myopathy 1. Identifiers: Orphanet 610, MedGen CN029274, MONDO:0024530, OMIM 158810.

gnomAD v4.1: 4 of 1,612,518 alleles (0.00025%); highest among the groups gnomAD compares: Non-Finnish European, 0.00034%; no homozygotes.

Submission:

Neuberg Centre For Genomic Medicine, NCGM
Classification: Uncertain significance for Bethlem myopathy 1A. Review status: criteria provided, single submitter. Criteria: ACMG Guidelines, 2015. Collection method: clinical testing. Allele origin: germline. Inheritance: Autosomal dominant inheritance. Affected: yes.
Comment: The c.211G>A(p.Asp71Asn) missense variant in COL6A1 gene has not been reported previously as a pathogenic variant nor as a benign variant, to our knowledge. The p.Asp71Asn variant is novel (not in any individuals) in gnomAD Exomes and 1000 Genomes. The amino acid Asp at position 71 is changed to a Asn changing protein sequence and it might alter its composition and physico-chemical properties. The amino acid change p.Asp71Asn in COL6A1 is predicted as conserved by GERP++ and PhyloP across 100 vertebrates. For these reasons, this variant has been classified as Variant of Uncertain Significance (VUS).